The following is an entry in ClinVar:

ClinVar aggregate classification (germline): Uncertain significance (1 of 4 stars; one submission).

Conditions:
Hereditary nonpolyposis colorectal neoplasms. Identifiers: MedGen C0009405, MeSH D003123.

Submission:

Labcorp Genetics (formerly Invitae), Labcorp
Classification: Uncertain significance for Hereditary nonpolyposis colorectal neoplasms. Last evaluated: 2021-06-09. Review status: criteria provided, single submitter. Criteria: Invitae Variant Classification Sherloc (09022015). Collection method: clinical testing. Allele origin: germline.
Comment: This sequence change replaces histidine with leucine at codon 24 of the PMS2 protein (p.His24Leu). The histidine residue is highly conserved and there is a moderate physicochemical difference between histidine and leucine. In summary, the available evidence is currently insufficient to determine the role of this variant in disease. Therefore, it has been classified as a Variant of Uncertain Significance. Algorithms developed to predict the effect of missense changes on protein structure and function (SIFT, PolyPhen-2, Align-GVGD) all suggest that this variant is likely to be disruptive, but these predictions have not been confirmed by published functional studies and their clinical significance is uncertain. This variant has not been reported in the literature in individuals with PMS2-related conditions. This variant is not present in population databases (ExAC no frequency).

NM_000535.7(PMS2):c.71A>T (p.His24Leu)

Gene: PMS2 (PMS1 homolog 2, mismatch repair system component; minus strand). Cytogenetic location: 7p22.1.
Variant type: single nucleotide variant.
Coding change: c.71A>T on transcript NM_000535.7 (MANE Select); coding-DNA position 71, A replaced by T.
Protein change: p.His24Leu; replaces histidine 24 with leucine.
Molecular consequence: missense variant. On other transcripts: 5 prime UTR variant (8), non-coding transcript variant (1), intron variant (3).
Genome position (GRCh38, 1-based): chr7:6,005,984, T>A on the plus strand (A>T on the coding strand, the complement: PMS2 is on the minus strand). VCF-style: chr7-6005984-T-A. GRCh37 (hg19) VCF-style: chr7-6045615-T-A.
Other names: c.-335A>T (NM_001322003.2, NM_001322005.2, NM_001322009.2 and 1 more transcripts); c.71A>T, p.His24Leu (NM_001322006.2, NM_001322014.2); c.-145A>T (NM_001322007.2); c.-814A>T (NM_001322011.2, NM_001322012.2); c.-414A>T (NM_001322015.2); c.-52-1926A>T (NM_001322008.2); c.-242-1926A>T (NM_001322010.2, NM_001322004.2); short protein forms H24L.
Identifiers: ClinVar variation 1360095 (VCV001360095.8), dbSNP rs139233015, ClinGen allele CA366745119.